The following is an entry in ClinVar:

ClinVar aggregate classification (germline): Uncertain significance. Review status: criteria provided, multiple submitters, no conflicts (2 of 4 stars). 2 submissions from 2 submitters: Uncertain significance (2). Last evaluated 2025-10-09.

gnomAD v4.1: 1 of 1,613,894 alleles (0.000062%); highest among the groups gnomAD compares: Non-Finnish European, 0.000085%; no homozygotes.

Submissions (2):

Labcorp Genetics (formerly Invitae), Labcorp
Classification: Uncertain significance. Last evaluated: 2025-10-09. Review status: criteria provided, single submitter. Criteria: Invitae Variant Classification Sherloc (09022015). Collection method: clinical testing. Allele origin: germline.
Comment: This sequence change replaces arginine, which is basic and polar, with proline, which is neutral and non-polar, at codon 340 of the ZIC4 protein (p.Arg340Pro). This variant is not present in population databases (gnomAD no frequency). This variant has not been reported in the literature in individuals affected with ZIC4-related conditions. ClinVar contains an entry for this variant (Variation ID: 3473834). An algorithm developed to predict the effect of missense changes on protein structure and function (PolyPhen-2) suggests that this variant is likely to be disruptive. In summary, the available evidence is currently insufficient to determine the role of this variant in disease. Therefore, it has been classified as a Variant of Uncertain Significance.

Ambry Genetics
Classification: Uncertain significance. Last evaluated: 2024-12-03. Review status: criteria provided, single submitter. Criteria: Ambry Variant Classification Scheme 2023. Collection method: clinical testing. Allele origin: germline.

NM_032153.6(ZIC4):c.869G>C (p.Arg290Pro)

Gene: ZIC4 (Zic family zinc finger 4; minus strand). Cytogenetic location: 3q24.
Variant type: single nucleotide variant.
Coding change: c.869G>C on transcript NM_032153.6 (MANE Select); coding-DNA position 869, G replaced by C.
Protein change: p.Arg290Pro; replaces arginine 290 with proline.
Molecular consequence: missense variant. On other transcripts: non-coding transcript variant (3).
Genome position (GRCh38, 1-based): chr3:147,391,066, C>G on the plus strand (G>C on the coding strand, the complement: ZIC4 is on the minus strand). VCF-style: chr3-147391066-C-G. GRCh37 (hg19) VCF-style: chr3-147108853-C-G.
Other names: c.1019G>C, p.Arg340Pro (NM_001168378.1); c.983G>C, p.Arg328Pro (NM_001168379.2); c.251G>C, p.Arg84Pro (NM_001243256.2); short protein forms R290P, R328P, R340P, R84P.
Identifiers: ClinVar variation 3473834 (VCV003473834.2).
Genomic context (GRCh38, chr3:147,391,066, plus strand): 5'-GAGGGCGACACGAGGGCAGACGGTGTAGCCGAATCGTAGCCAGAGCTGGGCGGCGGCGAG[C>G]GCCCGTGCACCTTCATGTGCTTACGCAGCGAGCTGGGGTGCGTGTAGCACTTGTCGCAGC-3'
Protein context (NP_115529.2, residues 280-300): SLRKHMKVHG[Arg290Pro]SPPPSSGYDS